The following is an entry in ClinVar:

ClinVar aggregate classification (germline): Uncertain significance (1 of 4 stars; one submission).

Conditions:
Cranioectodermal dysplasia 1 (CED1). Also called: LEVIN SYNDROME I. Identifiers: Orphanet 1515, MedGen C0432235, MONDO:0021093, OMIM 218330.

Allele frequency attached by ClinVar (database versions not stated): TOPMed below 0.00001; gnomAD 0.00001; gnomAD exomes 0.00001.
gnomAD v4.1: 8 of 1,613,766 alleles (0.0005%); highest among the groups gnomAD compares: Admixed American, 0.013%; no homozygotes.

Submission:

Labcorp Genetics (formerly Invitae), Labcorp
Classification: Uncertain significance for Cranioectodermal dysplasia 1. Last evaluated: 2023-08-04. Review status: criteria provided, single submitter. Criteria: Invitae Variant Classification Sherloc (09022015). Collection method: clinical testing. Allele origin: germline.
Comment: ClinVar contains an entry for this variant (Variation ID: 1435686). This sequence change replaces glutamine, which is neutral and polar, with arginine, which is basic and polar, at codon 547 of the IFT122 protein (p.Gln547Arg). This variant is present in population databases (no rsID available, gnomAD 0.006%). This variant has not been reported in the literature in individuals affected with IFT122-related conditions. An algorithm developed to predict the effect of missense changes on protein structure and function (PolyPhen-2) suggests that this variant is likely to be disruptive. In summary, the available evidence is currently insufficient to determine the role of this variant in disease. Therefore, it has been classified as a Variant of Uncertain Significance.

NM_052989.3(IFT122):c.1487A>G (p.Gln496Arg)

Gene: IFT122 (intraflagellar transport 122; plus strand). Cytogenetic location: 3q21.3.
Variant type: single nucleotide variant.
Coding change: c.1487A>G on transcript NM_052989.3 (MANE Select); coding-DNA position 1487, A replaced by G.
Protein change: p.Gln496Arg; replaces glutamine 496 with arginine.
Molecular consequence: missense variant.
Genome position (GRCh38, 1-based): chr3:129,479,921, A>G. VCF-style: chr3-129479921-A-G. GRCh37 (hg19) VCF-style: chr3-129198764-A-G.
Other names: c.1310A>G, p.Gln437Arg (NM_018262.4); c.1640A>G, p.Gln547Arg (NM_052985.4); c.1154A>G, p.Gln385Arg (NM_052990.3); c.1463A>G, p.Gln488Arg (NM_001280541.2); c.1037A>G, p.Gln346Arg (NM_001280545.2); c.860A>G, p.Gln287Arg (NM_001280546.2); short protein forms Q346R, Q496R, Q385R, Q547R, Q488R, Q287R, Q437R.
Identifiers: ClinVar variation 1435686 (VCV001435686.6), dbSNP rs1203426032, ClinGen allele CA354475626.